The following is an entry in ClinVar:

NM_001261826.3(AP3D1):c.758C>T (p.Pro253Leu)

Gene: AP3D1 (adaptor related protein complex 3 subunit delta 1; minus strand). Cytogenetic location: 19p13.3.
Variant type: single nucleotide variant.
Coding change: c.758C>T on transcript NM_001261826.3 (MANE Select); coding-DNA position 758, C replaced by T.
Protein change: p.Pro253Leu; replaces proline 253 with leucine.
Molecular consequence: missense variant.
Genome position (GRCh38, 1-based): chr19:2,129,138, G>A on the plus strand (C>T on the coding strand, the complement: AP3D1 is on the minus strand). VCF-style: chr19-2129138-G-A. GRCh37 (hg19) VCF-style: chr19-2129137-G-A.
Other names: c.758C>T, p.Pro253Leu (NM_001374799.1, NM_003938.8); short protein forms P253L.
Identifiers: ClinVar variation 2715009 (VCV002715009.3), dbSNP rs759717229, ClinGen allele CA9059587.

ClinVar aggregate classification (germline): Uncertain significance (1 of 4 stars; one submission).

Allele frequency attached by ClinVar (database versions not stated): gnomAD 0.00002; ExAC 0.00004; gnomAD exomes 0.00004; TOPMed 0.00005.
gnomAD v4.1: 54 of 1,600,402 alleles (0.0034%); highest among the groups gnomAD compares: Non-Finnish European, 0.0041%; no homozygotes.

Submission:

Labcorp Genetics (formerly Invitae), Labcorp
Classification: Uncertain significance. Last evaluated: 2025-11-05. Review status: criteria provided, single submitter. Criteria: Invitae Variant Classification Sherloc (09022015). Collection method: clinical testing. Allele origin: germline.
Comment: This sequence change replaces proline, which is neutral and non-polar, with leucine, which is neutral and non-polar, at codon 253 of the AP3D1 protein (p.Pro253Leu). The frequency data for this variant in the population databases is considered unreliable, as metrics indicate poor data quality at this position in the gnomAD database. This variant has not been reported in the literature in individuals affected with AP3D1-related conditions. ClinVar contains an entry for this variant (Variation ID: 2715009). An algorithm developed to predict the effect of missense changes on protein structure and function (PolyPhen-2) suggests that this variant is likely to be disruptive. In summary, the available evidence is currently insufficient to determine the role of this variant in disease. Therefore, it has been classified as a Variant of Uncertain Significance.